The following is an entry in ClinVar:

ClinVar aggregate classification (germline): Uncertain significance (1 of 4 stars; one submission).

Submission:

Labcorp Genetics (formerly Invitae), Labcorp
Classification: Uncertain significance. Last evaluated: 2025-11-05. Review status: criteria provided, single submitter. Criteria: Invitae Variant Classification Sherloc (09022015). Collection method: clinical testing. Allele origin: germline.
Comment: This sequence change replaces proline, which is neutral and non-polar, with threonine, which is neutral and polar, at codon 887 of the CACNA1E protein (p.Pro887Thr). This variant is not present in population databases (gnomAD no frequency). This variant has not been reported in the literature in individuals affected with CACNA1E-related conditions. Invitae Evidence Modeling of protein sequence and biophysical properties (such as structural, functional, and spatial information, amino acid conservation, physicochemical variation, residue mobility, and thermodynamic stability) has been performed for this missense variant. However, the output from this modeling did not meet the statistical confidence thresholds required to predict the impact of this variant on CACNA1E protein function. In summary, the available evidence is currently insufficient to determine the role of this variant in disease. Therefore, it has been classified as a Variant of Uncertain Significance.

NM_001205293.3(CACNA1E):c.2659C>A (p.Pro887Thr)

Gene: CACNA1E (calcium voltage-gated channel subunit alpha1 E; plus strand). Cytogenetic location: 1q25.3.
Variant type: single nucleotide variant.
Coding change: c.2659C>A on transcript NM_001205293.3 (MANE Select); coding-DNA position 2659, C replaced by A.
Protein change: p.Pro887Thr; replaces proline 887 with threonine.
Molecular consequence: missense variant.
Genome position (GRCh38, 1-based): chr1:181,732,745, C>A. VCF-style: chr1-181732745-C-A. GRCh37 (hg19) VCF-style: chr1-181701881-C-A.
Other names: c.2659C>A, p.Pro887Thr (NM_000721.4); c.2602C>A, p.Pro868Thr (NM_001205294.2); short protein forms P868T, P887T.
Identifiers: ClinVar variation 4799992 (VCV004799992.1).